The following is an entry in ClinVar:

NM_006208.3(ENPP1):c.494C>T (p.Ala165Val)

Gene: ENPP1 (ectonucleotide pyrophosphatase/phosphodiesterase 1; plus strand). Cytogenetic location: 6q23.2.
Variant type: single nucleotide variant.
Coding change: c.494C>T on transcript NM_006208.3 (MANE Select); coding-DNA position 494, C replaced by T.
Protein change: p.Ala165Val; replaces alanine 165 with valine.
Molecular consequence: missense variant.
Genome position (GRCh38, 1-based): chr6:131,851,205, C>T. VCF-style: chr6-131851205-C-T. GRCh37 (hg19) VCF-style: chr6-132172345-C-T.
Other names: short protein forms A165V.
Identifiers: ClinVar variation 2792956 (VCV002792956.3), dbSNP rs2483461888, ClinGen allele CA365661652.

ClinVar aggregate classification (germline): Uncertain significance (1 of 4 stars; one submission).

Submission:

Labcorp Genetics (formerly Invitae), Labcorp
Classification: Uncertain significance. Last evaluated: 2023-06-14. Review status: criteria provided, single submitter. Criteria: Invitae Variant Classification Sherloc (09022015). Collection method: clinical testing. Allele origin: germline.
Comment: Advanced modeling of protein sequence and biophysical properties (such as structural, functional, and spatial information, amino acid conservation, physicochemical variation, residue mobility, and thermodynamic stability) performed at Invitae indicates that this missense variant is not expected to disrupt ENPP1 protein function. In summary, the available evidence is currently insufficient to determine the role of this variant in disease. Therefore, it has been classified as a Variant of Uncertain Significance. This variant has not been reported in the literature in individuals affected with ENPP1-related conditions. This variant is not present in population databases (gnomAD no frequency). This sequence change replaces alanine, which is neutral and non-polar, with valine, which is neutral and non-polar, at codon 165 of the ENPP1 protein (p.Ala165Val).